The following is an entry in ClinVar:

ClinVar aggregate classification (germline): Uncertain significance. Review status: criteria provided, multiple submitters, no conflicts (2 of 4 stars). 3 submissions from 3 submitters: Uncertain significance (3). Last evaluated 2025-11-24.

Conditions:
Cardiovascular phenotype. Identifiers: MedGen CN230736.
Dilated cardiomyopathy 1M (CMD1M). Identifiers: Orphanet 154, MedGen C1843808, MONDO:0011840, OMIM 607482.
Hypertrophic cardiomyopathy 12. Identifiers: MedGen C2677491, MONDO:0012804, OMIM 612124.

Allele frequency attached by ClinVar (database versions not stated): ExAC 0.00001; gnomAD 0.00001; TOPMed 0.00002.
gnomAD v4.1: 3 of 1,612,248 alleles (0.00019%); highest among the groups gnomAD compares: African/African-American, 0.004%; no homozygotes.

Submissions (3):

Labcorp Genetics (formerly Invitae), Labcorp
Classification: Uncertain significance for Hypertrophic cardiomyopathy 12; Dilated cardiomyopathy 1M. Last evaluated: 2025-11-24. Review status: criteria provided, single submitter. Criteria: Invitae Variant Classification Sherloc (09022015). Collection method: clinical testing. Allele origin: germline.
Comment: This sequence change replaces leucine, which is neutral and non-polar, with valine, which is neutral and non-polar, at codon 166 of the CSRP3 protein (p.Leu166Val). This variant is not present in population databases (gnomAD no frequency). This variant has not been reported in the literature in individuals affected with CSRP3-related conditions. ClinVar contains an entry for this variant (Variation ID: 2447689). An algorithm developed to predict the effect of missense changes on protein structure and function (PolyPhen-2) suggests that this variant is likely to be tolerated. In summary, the available evidence is currently insufficient to determine the role of this variant in disease. Therefore, it has been classified as a Variant of Uncertain Significance.

Ambry Genetics
Classification: Uncertain significance for Cardiovascular phenotype. Last evaluated: 2022-12-25. Review status: criteria provided, single submitter. Criteria: Ambry Variant Classification Scheme 2023. Collection method: clinical testing. Allele origin: germline.
Comment: The p.L166V variant (also known as c.496C>G), located in coding exon 4 of the CSRP3 gene, results from a C to G substitution at nucleotide position 496. The leucine at codon 166 is replaced by valine, an amino acid with highly similar properties. This amino acid position is conserved. In addition, this alteration is predicted to be tolerated by in silico analysis. Since supporting evidence is limited at this time, the clinical significance of this alteration remains unclear.

GeneDx
Classification: Uncertain significance. Last evaluated: 2022-12-14. Review status: criteria provided, single submitter. Criteria: GeneDx Variant Classification Process June 2021. Collection method: clinical testing. Allele origin: germline. Affected: yes.
Comment: Has not been previously published as pathogenic or benign to our knowledge; Not observed at significant frequency in large population cohorts (gnomAD); In silico analysis supports that this missense variant does not alter protein structure/function

NM_003476.5(CSRP3):c.496C>G (p.Leu166Val)

Gene: CSRP3 (cysteine and glycine rich protein 3; minus strand). Cytogenetic location: 11p15.1.
Variant type: single nucleotide variant.
Coding change: c.496C>G on transcript NM_003476.5 (MANE Select); coding-DNA position 496, C replaced by G.
Protein change: p.Leu166Val; replaces leucine 166 with valine.
Molecular consequence: missense variant.
Genome position (GRCh38, 1-based): chr11:19,184,964, G>C on the plus strand (C>G on the coding strand, the complement: CSRP3 is on the minus strand). VCF-style: chr11-19184964-G-C. GRCh37 (hg19) VCF-style: chr11-19206511-G-C.
Other names: c.496C>G, p.Leu166Val (NM_001127656.1); c.327C>G, p.Asn109Lys (NM_001369404.1); c.496C>G (NM_003476.4); short protein forms N109K, L166V.
Identifiers: ClinVar variation 2447689 (VCV002447689.6), dbSNP rs150114628, ClinGen allele CA5916533.